The following is an entry in ClinVar:

NM_004006.3(DMD):c.2942A>G (p.Glu981Gly)

Gene: DMD (dystrophin; minus strand). Cytogenetic location: Xp21.1.
Variant type: single nucleotide variant.
Coding change: c.2942A>G on transcript NM_004006.3 (MANE Select); coding-DNA position 2942, A replaced by G.
Protein change: p.Glu981Gly; replaces glutamic acid 981 with glycine.
Molecular consequence: missense variant.
Genome position (GRCh38, 1-based): chrX:32,472,171, T>C on the plus strand (A>G on the coding strand, the complement: DMD is on the minus strand). VCF-style: chrX-32472171-T-C. GRCh37 (hg19) VCF-style: chrX-32490288-T-C.
Other names: c.2918A>G, p.Glu973Gly (NM_000109.4); c.2930A>G, p.Glu977Gly (NM_004009.3); c.2573A>G, p.Glu858Gly (NM_004010.3); short protein forms E981G, E858G, E973G, E977G.
Identifiers: ClinVar variation 455890 (VCV000455890.9), dbSNP rs1557374492, ClinGen allele CA412667741.

ClinVar aggregate classification (germline): Uncertain significance. Review status: criteria provided, multiple submitters, no conflicts (2 of 4 stars). 3 submissions from 3 submitters: Uncertain significance (2). 1 of the submissions does not count toward it. Last evaluated 2021-08-31.

Conditions:
Becker muscular dystrophy (BMD). Also called: MUSCULAR DYSTROPHY, PSEUDOHYPERTROPHIC PROGRESSIVE, BECKER TYPE; Becker Muscular Dystrophy (BMD). Identifiers: Orphanet 98895, MedGen C0917713, MONDO:0010311, OMIM 300376.
Cardiomyopathy (CMYO). Also called: Cardiomyopathies. Identifiers: Orphanet 167848, MedGen C0878544, MONDO:0004994, HP:0001638. Inheritance: Various modes of inheritance.
Duchenne muscular dystrophy (DMD). Also called: MUSCULAR DYSTROPHY, PSEUDOHYPERTROPHIC PROGRESSIVE, DUCHENNE TYPE; Duchenne Muscular Dystrophy (DMD). Identifiers: Orphanet 98896, MedGen C0013264, MONDO:0010679, OMIM 310200.
Dystrophin deficiency.
Cardiovascular phenotype. Identifiers: MedGen CN230736.

Allele frequency attached by ClinVar (database versions not stated): gnomAD exomes below 0.00001.
gnomAD v4.1: 3 of 1,211,241 alleles (0.00025%); highest among the groups gnomAD compares: Non-Finnish European, 0.00034%; no homozygotes.

Submissions (3):

Labcorp Genetics (formerly Invitae), Labcorp
Classification: Uncertain significance for Duchenne muscular dystrophy. Last evaluated: 2021-08-31. Review status: criteria provided, single submitter. Criteria: Invitae Variant Classification Sherloc (09022015). Collection method: clinical testing. Allele origin: germline.
Comment: This sequence change replaces glutamic acid with glycine at codon 981 of the DMD protein (p.Glu981Gly). The glutamic acid residue is moderately conserved and there is a moderate physicochemical difference between glutamic acid and glycine. This variant is not present in population databases (ExAC no frequency). This variant has not been reported in the literature in individuals affected with DMD-related conditions. Algorithms developed to predict the effect of missense changes on protein structure and function are either unavailable or do not agree on the potential impact of this missense change (SIFT: "Deleterious"; PolyPhen-2: "Probably Damaging"; Align-GVGD: "Class C0"). In summary, the available evidence is currently insufficient to determine the role of this variant in disease. Therefore, it has been classified as a Variant of Uncertain Significance.

Ambry Genetics
Classification: Uncertain significance for Cardiovascular phenotype. Last evaluated: 2021-03-23. Review status: criteria provided, single submitter. Criteria: Ambry Variant Classification Scheme 2023. Collection method: clinical testing. Allele origin: germline.
Comment: The p.E981G variant (also known as c.2942A>G), located in coding exon 22 of the DMD gene, results from an A to G substitution at nucleotide position 2942. The glutamic acid at codon 981 is replaced by glycine, an amino acid with similar properties. This amino acid position is not well conserved in available vertebrate species. In addition, this alteration is predicted to be tolerated by in silico analysis. Since supporting evidence is limited at this time, the clinical significance of this alteration remains unclear.

Natera, Inc.
Classification: Uncertain significance for Becker muscular dystrophy; Cardiomyopathy; Duchenne muscular dystrophy; Dystrophin deficiency. Last evaluated: 2019-09-13. Review status: no assertion criteria provided. Collection method: clinical testing. Allele origin: germline. Not counted in ClinVar's aggregate classification.